The following is an entry in ClinVar:

ClinVar aggregate classification (germline): Likely pathogenic (1 of 4 stars; one submission).

gnomAD v4.1: 1 of 1,613,380 alleles (0.000062%); highest among the groups gnomAD compares: Non-Finnish European, 0.000085%; no homozygotes.

Submission:

GeneDx
Classification: Likely pathogenic. Last evaluated: 2024-06-06. Review status: criteria provided, single submitter. Criteria: GeneDx Variant Classification Process June 2021. Collection method: clinical testing. Allele origin: germline. Affected: yes.
Comment: Not observed at significant frequency in large population cohorts (gnomAD); In silico analysis supports that this missense variant has a deleterious effect on protein structure/function; Has not been previously published as pathogenic or benign to our knowledge

NM_001166114.2(PNPLA6):c.3854C>T (p.Ala1285Val)

Gene: PNPLA6 (patatin like phospholipase domain containing 6; plus strand). Cytogenetic location: 19p13.2.
Variant type: single nucleotide variant.
Coding change: c.3854C>T on transcript NM_001166114.2 (MANE Select); coding-DNA position 3854, C replaced by T.
Protein change: p.Ala1285Val; replaces alanine 1285 with valine.
Molecular consequence: missense variant.
Genome position (GRCh38, 1-based): chr19:7,561,051, C>T. VCF-style: chr19-7561051-C-T. GRCh37 (hg19) VCF-style: chr19-7625937-C-T.
Other names: c.3884C>T, p.Ala1295Val (NM_001166111.2); c.3659C>T, p.Ala1220Val (NM_001166112.2); c.3740C>T, p.Ala1247Val (NM_001166113.1, NM_006702.5); short protein forms A1220V, A1247V, A1285V, A1295V.
Identifiers: ClinVar variation 3384371 (VCV003384371.1).